The following is an entry in ClinVar:

NM_001291815.2(HMCN2):c.13413C>T (p.Ile4471=)

Gene: HMCN2 (hemicentin 2; plus strand). Cytogenetic location: 9q34.11.
Variant type: single nucleotide variant.
Coding change: c.13413C>T on transcript NM_001291815.2 (MANE Select); coding-DNA position 13413, C replaced by T.
Protein change: p.Ile4471=; no amino-acid change (isoleucine 4471 retained).
Molecular consequence: synonymous variant.
Genome position (GRCh38, 1-based): chr9:130,424,807, C>T. VCF-style: chr9-130424807-C-T. GRCh37 (hg19) VCF-style: chr9-133300194-C-T.
Identifiers: ClinVar variation 2659603 (VCV002659603.24), dbSNP rs147034490, ClinGen allele CA5282796.

ClinVar aggregate classification (germline): Likely benign (1 of 4 stars; one submission).

Allele frequency attached by ClinVar (database versions not stated): 1000 Genomes Project 0.00200; 1000 Genomes Project 30x 0.00203; TOPMed 0.00381; gnomAD 0.00404; gnomAD exomes 0.00566; ExAC 0.00928.
gnomAD v4.1: 8,458 of 1,538,830 alleles (0.55%); highest among the groups gnomAD compares: Middle Eastern, 0.71%; 38 homozygotes.

Submission:

CeGaT Center for Human Genetics Tuebingen
Classification: Likely benign. Last evaluated: 2023-01-01. Review status: criteria provided, single submitter. Criteria: CeGaT Center For Human Genetics Tuebingen Variant Classification Criteria Version 2. Collection method: clinical testing. Allele origin: germline. Affected: yes. Observed: 2 variant alleles.
Comment: HMCN2: BP4, BP7, BS2